The following is an entry in ClinVar:

ClinVar aggregate classification (germline): Uncertain significance (1 of 4 stars; one submission).

Conditions:
Hereditary cancer-predisposing syndrome. Also called: Hereditary neoplastic syndrome; Neoplastic Syndromes, Hereditary; Tumor predisposition; Hereditary Cancer Syndrome. Identifiers: Orphanet 140162, MedGen C0027672, MeSH D009386, MONDO:0015356.

Submission:

Ambry Genetics
Classification: Uncertain significance for Hereditary cancer-predisposing syndrome. Last evaluated: 2025-08-27. Review status: criteria provided, single submitter. Criteria: Ambry Variant Classification Scheme 2023. Collection method: clinical testing. Allele origin: germline.
Comment: The p.K17Q variant (also known as c.49A>C), located in coding exon 2 of the MUTYH gene, results from an A to C substitution at nucleotide position 49. The lysine at codon 17 is replaced by glutamine, an amino acid with similar properties. This amino acid position is conserved. In addition, the in silico prediction for this alteration is inconclusive. Based on the available evidence, the clinical significance of this variant remains unclear.

NM_001048174.2(MUTYH):c.7A>C (p.Lys3Gln)

Gene: MUTYH (mutY DNA glycosylase; minus strand). Cytogenetic location: 1p34.1.
Variant type: single nucleotide variant.
Coding change: c.7A>C on transcript NM_001048174.2 (MANE Select); coding-DNA position 7, A replaced by C.
Protein change: p.Lys3Gln; replaces lysine 3 with glutamine.
Molecular consequence: missense variant. On other transcripts: non-coding transcript variant (7), 5 prime UTR variant (7).
Genome position (GRCh38, 1-based): chr1:45,334,499, T>G on the plus strand (A>C on the coding strand, the complement: MUTYH is on the minus strand). VCF-style: chr1-45334499-T-G. GRCh37 (hg19) VCF-style: chr1-45800171-T-G.
Other names: c.7A>C, p.Lys3Gln (NM_001407077.1, NM_001407078.1, NM_001407079.1 and 15 more transcripts); c.-201A>C (NM_001407082.1, NM_001350651.2); c.25A>C, p.Lys9Gln (NM_001407087.1); c.-206A>C (NM_001407091.1, NM_001293192.2, NM_001293196.2); c.49A>C, p.Lys17Gln (NM_012222.3, NM_001128425.2, NM_001293190.2 and 2 more transcripts); c.-265A>C (NM_001350650.2); c.-150A>C (NM_001407075.1); short protein forms K17Q, K3Q, K9Q.
Identifiers: ClinVar variation 4113700 (VCV004113700.1).